The following is an entry in ClinVar:

NM_001254.4(CDC6):c.511C>T (p.Arg171Trp)

Gene: CDC6 (cell division cycle 6; plus strand). Cytogenetic location: 17q21.2.
Variant type: single nucleotide variant.
Coding change: c.511C>T on transcript NM_001254.4 (MANE Select); coding-DNA position 511, C replaced by T.
Protein change: p.Arg171Trp; replaces arginine 171 with tryptophan.
Molecular consequence: missense variant.
Genome position (GRCh38, 1-based): chr17:40,291,519, C>T. VCF-style: chr17-40291519-C-T. GRCh37 (hg19) VCF-style: chr17-38447771-C-T.
Other names: short protein forms R171W.
Identifiers: ClinVar variation 2085910 (VCV002085910.4), dbSNP rs757198932, ClinGen allele CA8541899.

ClinVar aggregate classification (germline): Uncertain significance (1 of 4 stars; one submission).

gnomAD v4.1: 55 of 1,614,026 alleles (0.0034%); highest among the groups gnomAD compares: East Asian, 0.069%; no homozygotes.

Submission:

Labcorp Genetics (formerly Invitae), Labcorp
Classification: Uncertain significance. Last evaluated: 2025-03-20. Review status: criteria provided, single submitter. Criteria: Invitae Variant Classification Sherloc (09022015). Collection method: clinical testing. Allele origin: germline.
Comment: This sequence change replaces arginine, which is basic and polar, with tryptophan, which is neutral and slightly polar, at codon 171 of the CDC6 protein (p.Arg171Trp). This variant is present in population databases (rs757198932, gnomAD 0.08%), and has an allele count higher than expected for a pathogenic variant. This variant has not been reported in the literature in individuals affected with CDC6-related conditions. ClinVar contains an entry for this variant (Variation ID: 2085910). An algorithm developed to predict the effect of missense changes on protein structure and function (PolyPhen-2) suggests that this variant is likely to be disruptive. In summary, the available evidence is currently insufficient to determine the role of this variant in disease. Therefore, it has been classified as a Variant of Uncertain Significance.